The following is an entry in ClinVar:

NM_000492.4(CFTR):c.1934T>A (p.Met645Lys)

Gene: CFTR (CF transmembrane conductance regulator; plus strand). Cytogenetic location: 7q31.2.
Variant type: single nucleotide variant.
Coding change: c.1934T>A on transcript NM_000492.4 (MANE Select); coding-DNA position 1934, T replaced by A.
Protein change: p.Met645Lys; replaces methionine 645 with lysine.
Molecular consequence: missense variant.
Genome position (GRCh38, 1-based): chr7:117,592,101, T>A. VCF-style: chr7-117592101-T-A. GRCh37 (hg19) VCF-style: chr7-117232155-T-A.
Other names: short protein forms M645K.
Identifiers: ClinVar variation 495905 (VCV000495905.13), dbSNP rs377731410, ClinGen allele CA4451116.

ClinVar aggregate classification (germline): Uncertain significance. Review status: criteria provided, multiple submitters, no conflicts (2 of 4 stars). 6 submissions from 6 submitters: Uncertain significance (5). 1 of the submissions does not count toward it. Last evaluated 2025-08-11.

Conditions:
Cystic fibrosis (CF). Also called: MUCOVISCIDOSIS. Identifiers: Orphanet 586, MedGen C0010674, MONDO:0009061, OMIM 219700. Disease mechanism: loss of function.
Bronchiectasis with or without elevated sweat chloride 1 (BESC1). Also called: Cystic Fibrosis-Like Syndrome. Identifiers: Orphanet 60033, MedGen C2749757, MONDO:0008887, OMIM 211400.
Congenital bilateral aplasia of vas deferens from CFTR mutation (CBAVD). Identifiers: Orphanet 48, MedGen C0403814, MONDO:0010178, OMIM 277180. Disease mechanism: loss of function.
Hereditary pancreatitis (PCTT). Also called: PRSS1-Related Hereditary Pancreatitis; Hereditary chronic pancreatitis. Identifiers: Orphanet 676, MedGen C0238339, MONDO:0008185, OMIM 167800.

Allele frequency attached by ClinVar (database versions not stated): gnomAD 0.00006; 1000 Genomes Project 0.00020; 1000 Genomes Project 30x 0.00031; TOPMed 0.00002.
gnomAD v4.1: 21 of 1,614,112 alleles (0.0013%); highest among the groups gnomAD compares: African/African-American, 0.0053%; no homozygotes.

Submissions (6):

Women's Health and Genetics/Laboratory Corporation of America, LabCorp
Classification: Uncertain significance. Last evaluated: 2025-08-11. Review status: criteria provided, single submitter. Criteria: LabCorp Variant Classification Summary - May 2015. Collection method: clinical testing. Allele origin: germline.
Comment: Variant summary: CFTR c.1934T>A (p.Met645Lys) results in a non-conservative amino acid change located in the CFTR regulator domain (IPR025837) of the encoded protein sequence. Algorithms developed to predict the effect of missense changes on protein structure and function all suggest that this variant is likely to be disruptive. The variant allele was found at a frequency of 1.2e-05 in 251134 control chromosomes. The available data on variant occurrences in the general population are insufficient to allow any conclusion about variant significance. c.1934T>A has been observed in individual(s) affected with Chronic Pancreatitis Risk. These report(s) do not provide unequivocal conclusions about association of the variant with Chronic Pancreatitis Risk. To our knowledge, no experimental evidence demonstrating an impact on protein function has been reported. ClinVar contains an entry for this variant (Variation ID: 495905). Based on the evidence outlined above, the variant was classified as uncertain significance.

Ambry Genetics
Classification: Uncertain significance for Cystic fibrosis. Last evaluated: 2024-11-15. Review status: criteria provided, single submitter. Criteria: Ambry Variant Classification Scheme 2023. Collection method: clinical testing. Allele origin: germline.
Comment: The p.M645K variant (also known as c.1934T>A), located in coding exon 14 of the CFTR gene, results from a T to A substitution at nucleotide position 1934. The methionine at codon 645 is replaced by lysine, an amino acid with similar properties. This alteration was reported in an individual with CFTR-related disorder; however, specific clinical information or the presence of a second alteration was not provided (Trujillano D et al. J Med Genet. 2013;50(7):455-62). This amino acid position is well conserved in available vertebrate species. In addition, this alteration is predicted to be deleterious by in silico analysis. Based on the available evidence, the clinical significance of this variant remains unclear.

Labcorp Genetics (formerly Invitae), Labcorp
Classification: Uncertain significance for Cystic fibrosis. Last evaluated: 2022-10-03. Review status: criteria provided, single submitter. Criteria: Invitae Variant Classification Sherloc (09022015). Collection method: clinical testing. Allele origin: germline.
Comment: This sequence change replaces methionine, which is neutral and non-polar, with lysine, which is basic and polar, at codon 645 of the CFTR protein (p.Met645Lys). This variant is present in population databases (rs377731410, gnomAD 0.008%). This missense change has been observed in individual(s) with CFTR-related disorder (PMID: 23687349). ClinVar contains an entry for this variant (Variation ID: 495905). Advanced modeling of protein sequence and biophysical properties (such as structural, functional, and spatial information, amino acid conservation, physicochemical variation, residue mobility, and thermodynamic stability) performed at Invitae indicates that this missense variant is not expected to disrupt CFTR protein function. Algorithms developed to predict the effect of sequence changes on RNA splicing suggest that this variant may disrupt the consensus splice site. In summary, the available evidence is currently insufficient to determine the role of this variant in disease. Therefore, it has been classified as a Variant of Uncertain Significance.

Fulgent Genetics
Classification: Uncertain significance for Hereditary pancreatitis; Bronchiectasis with or without elevated sweat chloride 1; Cystic fibrosis; Congenital bilateral aplasia of vas deferens from CFTR mutation. Last evaluated: 2021-10-14. Review status: criteria provided, single submitter. Criteria: ACMG Guidelines, 2015. Collection method: clinical testing. Allele origin: unknown.

Genome-Nilou Lab
Classification: Uncertain significance for Cystic fibrosis. Last evaluated: 2021-09-05. Review status: criteria provided, single submitter. Criteria: ACMG Guidelines, 2015. Collection method: clinical testing. Allele origin: germline. Affected: no.

Natera, Inc.
Classification: Uncertain significance for Cystic Fibrosis. Last evaluated: 2020-09-16. Review status: no assertion criteria provided. Collection method: clinical testing. Allele origin: germline. Not counted in ClinVar's aggregate classification.

Literature cited by the submitters: PubMed 23687349 (cited by 3 submitters).